The following is an entry in ClinVar:

ClinVar aggregate classification (germline): not provided (0 of 4 stars; one submission).

Conditions:
Preeclampsia. Identifiers: Orphanet 275555, MedGen C0032914, MONDO:0005081, HP:0100602.

Submission:

Institute of Molecular and Cell Biology, University of Tartu
No classification provided. Condition: Preeclampsia. Review status: no classification provided. Collection method: case-control. Allele origin: unknown. Affected: yes. Study: Kasak2014.
Comment: The study aimed to determine the contribution of copy number variants in the genetic etiology of normal and complicated pregnancies. The samples represented (i) maternal blood DNA drawn from healthy pregnant women during 1st or 2nd trimester and (ii) maternal and paternal blood DNA drawn at term pregnancy cases representing normal and complicated gestations (severe preeclampsia, PE; gestational diabetes, GD; small-for-gestational age newborn, SGA; large-for-gestational age newborn, LGA). We performed CNV calling based on genome-wide genotyping dataset (Illumina HumanOmniExpress-24-v1 BeadChip) by applying three algorithms, QuantiSNP, GADA (Genome Alteration Detection Algorithm) and CNstream in parallel. The acquired CNV calls were merged with HD-CNV (Hotspot Detector for Copy Number Variants) program and only the CNVs predicted by at least two programs, were considered in subsequent analysis.

Literature cited by the submitters: PubMed 25666259.

Single allele

Variant type: Duplication.
Genome position: GRCh38: chr13:80,117,217-80,122,297. GRCh37 (hg19): chr13:80,691,352-80,696,432.
Identifiers: ClinVar variation 157284 (VCV000157284.2).